The following is an entry in ClinVar:

ClinVar aggregate classification (germline): Uncertain significance (1 of 4 stars; one submission).

Submission:

Ambry Genetics
Classification: Uncertain significance. Last evaluated: 2024-10-17. Review status: criteria provided, single submitter. Criteria: Ambry Variant Classification Scheme 2023. Collection method: clinical testing. Allele origin: germline.
Comment: The p.L25P variant (also known as c.74T>C), located in coding exon 1 of the RAD51B gene, results from a T to C substitution at nucleotide position 74. The leucine at codon 25 is replaced by proline, an amino acid with similar properties. This amino acid position is conserved. In addition, this alteration is predicted to be tolerated by in silico analysis. Based on the available evidence, the clinical significance of this variant remains unclear.

NM_133510.4(RAD51B):c.74T>C (p.Leu25Pro)

Gene: RAD51B (RAD51 paralog B; plus strand). Cytogenetic location: 14q24.1.
Variant type: single nucleotide variant.
Coding change: c.74T>C on transcript NM_133510.4 (MANE Select); coding-DNA position 74, T replaced by C.
Protein change: p.Leu25Pro; replaces leucine 25 with proline.
Molecular consequence: missense variant. On other transcripts: 5 prime UTR variant (2).
Genome position (GRCh38, 1-based): chr14:67,823,617, T>C. VCF-style: chr14-67823617-T-C. GRCh37 (hg19) VCF-style: chr14-68290334-T-C.
Other names: c.74T>C, p.Leu25Pro (NM_001321809.2, NM_001321810.2, NM_001321812.1 and 6 more transcripts); c.-41T>C (NM_001321815.1); c.-382T>C (NM_001321817.2); short protein forms L25P.
Identifiers: ClinVar variation 3429615 (VCV003429615.1).